The following is an entry in ClinVar:

NM_001792.5(CDH2):c.1652G>C (p.Gly551Ala)

Gene: CDH2 (cadherin 2; minus strand). Cytogenetic location: 18q12.1.
Variant type: single nucleotide variant.
Coding change: c.1652G>C on transcript NM_001792.5 (MANE Select); coding-DNA position 1652, G replaced by C.
Protein change: p.Gly551Ala; replaces glycine 551 with alanine.
Molecular consequence: missense variant.
Genome position (GRCh38, 1-based): chr18:27,988,613, C>G on the plus strand (G>C on the coding strand, the complement: CDH2 is on the minus strand). VCF-style: chr18-27988613-C-G. GRCh37 (hg19) VCF-style: chr18-25568577-C-G.
Other names: c.1559G>C, p.Gly520Ala (NM_001308176.2); short protein forms G551A, G520A.
Identifiers: ClinVar variation 2450999 (VCV002450999.6), dbSNP rs199900123, ClinGen allele CA297682748.

ClinVar aggregate classification (germline): Uncertain significance. Review status: criteria provided, multiple submitters, no conflicts (2 of 4 stars). 2 submissions from 2 submitters: Uncertain significance (2). Last evaluated 2026-04-27.

Conditions:
Inborn genetic diseases. Identifiers: MedGen C0950123, MeSH D030342.

Allele frequency attached by ClinVar (database versions not stated): gnomAD exomes below 0.00001; TOPMed 0.00001; gnomAD 0.00001.
gnomAD v4.1: 4 of 1,608,360 alleles (0.00025%); highest among the groups gnomAD compares: Middle Eastern, 0.016%; no homozygotes.

Submissions (2):

Ambry Genetics
Classification: Uncertain significance for Inborn genetic diseases. Last evaluated: 2026-04-27. Review status: criteria provided, single submitter. Criteria: Ambry Variant Classification Scheme 2023. Collection method: clinical testing. Allele origin: germline.

Labcorp Genetics (formerly Invitae), Labcorp
Classification: Uncertain significance. Last evaluated: 2023-12-30. Review status: criteria provided, single submitter. Criteria: Invitae Variant Classification Sherloc (09022015). Collection method: clinical testing. Allele origin: germline.
Comment: This sequence change replaces glycine, which is neutral and non-polar, with alanine, which is neutral and non-polar, at codon 551 of the CDH2 protein (p.Gly551Ala). This variant is not present in population databases (gnomAD no frequency). This variant has not been reported in the literature in individuals affected with CDH2-related conditions. ClinVar contains an entry for this variant (Variation ID: 2450999). An algorithm developed to predict the effect of missense changes on protein structure and function (PolyPhen-2) suggests that this variant is likely to be disruptive. In summary, the available evidence is currently insufficient to determine the role of this variant in disease. Therefore, it has been classified as a Variant of Uncertain Significance.